The following is an entry in ClinVar:

ClinVar aggregate classification (germline): Uncertain significance (1 of 4 stars; one submission).

gnomAD v4.1: 1 of 1,550,198 alleles (0.000065%); highest among the groups gnomAD compares: Non-Finnish European, 0.000087%; no homozygotes.

Submission:

GeneDx
Classification: Uncertain significance. Last evaluated: 2024-03-28. Review status: criteria provided, single submitter. Criteria: GeneDx Variant Classification Process June 2021. Collection method: clinical testing. Allele origin: germline. Affected: yes.
Comment: Not observed at significant frequency in large population cohorts (gnomAD); In silico analysis supports that this missense variant has a deleterious effect on protein structure/function; Has not been previously published as pathogenic or benign to our knowledge

NM_017672.6(TRPM7):c.875G>T (p.Gly292Val)

Gene: TRPM7 (transient receptor potential cation channel subfamily M member 7; minus strand). Cytogenetic location: 15q21.2.
Variant type: single nucleotide variant.
Coding change: c.875G>T on transcript NM_017672.6 (MANE Select); coding-DNA position 875, G replaced by T.
Protein change: p.Gly292Val; replaces glycine 292 with valine.
Molecular consequence: missense variant. On other transcripts: non-coding transcript variant (3).
Genome position (GRCh38, 1-based): chr15:50,634,514, C>A on the plus strand (G>T on the coding strand, the complement: TRPM7 is on the minus strand). VCF-style: chr15-50634514-C-A. GRCh37 (hg19) VCF-style: chr15-50926711-C-A.
Other names: c.875G>T, p.Gly292Val (NM_001301212.2); short protein forms G292V.
Identifiers: ClinVar variation 3371784 (VCV003371784.1).